The following is an entry in ClinVar:

NM_001103.4(ACTN2):c.777G>A (p.Ala259=)

Gene: ACTN2 (actinin alpha 2; plus strand). Cytogenetic location: 1q43.
Variant type: single nucleotide variant.
Coding change: c.777G>A on transcript NM_001103.4 (MANE Select); coding-DNA position 777, G replaced by A.
Protein change: p.Ala259=; no amino-acid change (alanine 259 retained).
Molecular consequence: synonymous variant. On other transcripts: intron variant (1).
Genome position (GRCh38, 1-based): chr1:236,735,714, G>A. VCF-style: chr1-236735714-G-A. GRCh37 (hg19) VCF-style: chr1-236899014-G-A.
Other names: c.42G>A, p.Ala14= (NM_001278344.2); c.783+1196G>A (NM_001278343.2).
Identifiers: ClinVar variation 296500 (VCV000296500.14), dbSNP rs764583678, ClinGen allele CA1472926.
Genomic context (GRCh38, chr1:236,735,714, plus strand): 5'-ACCCGATGAAAGAGCCATCATGACGTACGTCTCTTGCTTCTACCACGCTTTTGCGGGCGC[G>A]GAGCAGGTACTCAACACTTGTCCGTCCGGGCTGTTGTGTTACTCTCTGTTGGTTTTAGTT-3'
Protein context (NP_001094.1, residues 249-269): VSCFYHAFAG[Ala259=]EQAETAANRI

ClinVar aggregate classification (germline): Conflicting classifications of pathogenicity. Review status: criteria provided, conflicting classifications (1 of 4 stars). 5 submissions from 5 submitters: Uncertain significance (1); Benign (1); Likely benign (3). Last evaluated 2026-02-01.

Conditions:
Dilated cardiomyopathy 1AA (CMD1AA). Also called: CARDIOMYOPATHY, DILATED, 1AA, WITH OR WITHOUT LEFT VENTRICULAR NONCOMPACTION; CARDIOMYOPATHY, FAMILIAL HYPERTROPHIC, 23, WITH OR WITHOUT LEFT VENTRICULAR NONCOMPACTION; Cardiomyopathy, dilated, 1AA, with or without LVNC. Identifiers: Orphanet 154, MedGen C2677338, MONDO:0012808, OMIM 612158.
Primary familial hypertrophic cardiomyopathy (HCM). Identifiers: Orphanet 99739, MedGen C0949658, MeSH D024741, MONDO:0024573. Inheritance: Various modes of inheritance.
Cardiovascular phenotype. Identifiers: MedGen CN230736.

Allele frequency attached by ClinVar (database versions not stated): gnomAD exomes 0.00002 and 0.00005; ExAC 0.00003; gnomAD 0.00004 and 0.00005; TOPMed 0.00006.
gnomAD v4.1: 85 of 1,613,944 alleles (0.0053%); highest among the groups gnomAD compares: Non-Finnish European, 0.0062%; no homozygotes.

Submissions (5):

Labcorp Genetics (formerly Invitae), Labcorp
Classification: Benign for Primary familial hypertrophic cardiomyopathy; Dilated cardiomyopathy 1AA. Last evaluated: 2026-02-01. Review status: criteria provided, single submitter. Criteria: Invitae Variant Classification Sherloc (09022015). Collection method: clinical testing. Allele origin: germline.

Women's Health and Genetics/Laboratory Corporation of America, LabCorp
Classification: Likely benign. Last evaluated: 2023-09-03. Review status: criteria provided, single submitter. Criteria: LabCorp Variant Classification Summary - May 2015. Collection method: clinical testing. Allele origin: germline.

Ambry Genetics
Classification: Likely benign for Cardiovascular phenotype. Last evaluated: 2019-08-19. Review status: criteria provided, single submitter. Criteria: Ambry Variant Classification Scheme 2023. Collection method: clinical testing. Allele origin: germline.

Illumina Laboratory Services, Illumina
Classification: Uncertain significance for Dilated cardiomyopathy 1AA. Last evaluated: 2018-01-12. Review status: criteria provided, single submitter. Criteria: ICSL Variant Classification Criteria 13 December 2019. Collection method: clinical testing. Allele origin: germline.

GeneDx
Classification: Likely benign. Last evaluated: 2015-12-01. Review status: criteria provided, single submitter. Criteria: GeneDx Variant Classification (06012015). Collection method: clinical testing. Allele origin: germline. Affected: yes.
Comment: This variant is considered likely benign or benign based on one or more of the following criteria: it is a conservative change, it occurs at a poorly conserved position in the protein, it is predicted to be benign by multiple in silico algorithms, and/or has population frequency not consistent with disease.